The following is an entry in ClinVar:

ClinVar aggregate classification (germline): Uncertain significance (1 of 4 stars; one submission).

Conditions:
Dilated cardiomyopathy 1O (CMD1O). Also called: CARDIOMYOPATHY, DILATED, WITH VENTRICULAR TACHYCARDIA. Identifiers: Orphanet 154, MedGen C1837839, MONDO:0012062, OMIM 608569.

Submission:

Labcorp Genetics (formerly Invitae), Labcorp
Classification: Uncertain significance for Dilated cardiomyopathy 1O. Last evaluated: 2022-08-12. Review status: criteria provided, single submitter. Criteria: Invitae Variant Classification Sherloc (09022015). Collection method: clinical testing. Allele origin: germline.
Comment: A copy number gain of the genomic region encompassing the full coding sequence of the ABCC9 gene has been identified. The boundaries of this event are unknown as they extend beyond the assayed region for this gene and therefore may encompass additional genes. As the precise location of this event is unknown, it may be in tandem or it may be located elsewhere in the genome. This variant has not been reported in the literature in individuals affected with ABCC9-related conditions. In summary, the available evidence is currently insufficient to determine the role of this variant in disease. Therefore, it has been classified as a Variant of Uncertain Significance.

NC_000012.11:g.(?_21958108)_(22089608_?)dup

Gene: ABCC9 (ATP binding cassette subfamily C member 9; minus strand). Cytogenetic location: 12p12.1.
Variant type: Duplication.
Identifiers: ClinVar variation 2425400 (VCV002425400.3).